The following is an entry in ClinVar:

ClinVar aggregate classification (germline): Uncertain significance (1 of 4 stars; one submission).

Allele frequency attached by ClinVar (database versions not stated): gnomAD exomes below 0.00001; TOPMed below 0.00001.
gnomAD v4.1: 2 of 1,614,140 alleles (0.00012%); highest among the groups gnomAD compares: Non-Finnish European, 0.00017%; no homozygotes.

Submission:

CeGaT Center for Human Genetics Tuebingen
Classification: Uncertain significance. Last evaluated: 2023-08-01. Review status: criteria provided, single submitter. Criteria: CeGaT Center For Human Genetics Tuebingen Variant Classification Criteria Version 2. Collection method: clinical testing. Allele origin: germline. Affected: yes. Observed: 1 variant allele.
Comment: ERCC6: PM2, PP3

NM_000124.4(ERCC6):c.1762T>C (p.Trp588Arg)

Gene: ERCC6 (ERCC excision repair 6, chromatin remodeling factor; minus strand). Cytogenetic location: 10q11.23.
Variant type: single nucleotide variant.
Coding change: c.1762T>C on transcript NM_000124.4 (MANE Select); coding-DNA position 1762, T replaced by C.
Protein change: p.Trp588Arg; replaces tryptophan 588 with arginine.
Molecular consequence: missense variant.
Genome position (GRCh38, 1-based): chr10:49,493,176, A>G on the plus strand (T>C on the coding strand, the complement: ERCC6 is on the minus strand). VCF-style: chr10-49493176-A-G. GRCh37 (hg19) VCF-style: chr10-50701222-A-G.
Other names: c.1762T>C, p.Trp588Arg (NM_001346440.2); short protein forms W588R.
Identifiers: ClinVar variation 2640452 (VCV002640452.24), dbSNP rs1851206628, ClinGen allele CA376726511.